The following is an entry in ClinVar:

ClinVar aggregate classification (germline): Likely benign. Review status: criteria provided, single submitter (1 of 4 stars). 2 submissions from 2 submitters: Likely benign (1). 1 of the submissions does not count toward it. Last evaluated 2026-01-19.

Conditions:
PKHD1-related disorder. Also called: PKHD1-related condition.
Autosomal recessive polycystic kidney disease (ARPKD). Also called: AR polycystic kidney disease. Identifiers: Orphanet 731, Orphanet 8378, MedGen C0085548, MeSH D017044, MONDO:0009889.

Allele frequency attached by ClinVar (database versions not stated): TOPMed below 0.00001; gnomAD 0.00002 and 0.00003; gnomAD exomes 0.00004; ExAC 0.00005.
gnomAD v4.1: 40 of 1,613,934 alleles (0.0025%); highest among the groups gnomAD compares: South Asian, 0.015%; no homozygotes.

Submissions (2):

Labcorp Genetics (formerly Invitae), Labcorp
Classification: Likely benign for Autosomal recessive polycystic kidney disease. Last evaluated: 2026-01-19. Review status: criteria provided, single submitter. Criteria: Invitae Variant Classification Sherloc (09022015). Collection method: clinical testing. Allele origin: germline.

PreventionGenetics, part of Exact Sciences
Classification: Likely benign for PKHD1-related condition. Last evaluated: 2021-07-30. Review status: no assertion criteria provided. Collection method: clinical testing. Allele origin: germline. Not counted in ClinVar's aggregate classification.
Comment: This variant is classified as likely benign based on ACMG/AMP sequence variant interpretation guidelines (Richards et al. 2015 PMID: 25741868, with internal and published modifications).

NM_138694.4(PKHD1):c.978C>G (p.Gly326=)

Gene: PKHD1 (PKHD1 ciliary IPT domain containing fibrocystin/polyductin; minus strand). Cytogenetic location: 6p12.2.
Variant type: single nucleotide variant.
Coding change: c.978C>G on transcript NM_138694.4 (MANE Select); coding-DNA position 978, C replaced by G.
Protein change: p.Gly326=; no amino-acid change (glycine 326 retained).
Molecular consequence: synonymous variant.
Genome position (GRCh38, 1-based): chr6:52,062,659, G>C on the plus strand (C>G on the coding strand, the complement: PKHD1 is on the minus strand). VCF-style: chr6-52062659-G-C. GRCh37 (hg19) VCF-style: chr6-51927457-G-C.
Other names: c.978C>G, p.Gly326= (NM_170724.3).
Identifiers: ClinVar variation 701734 (VCV000701734.13), dbSNP rs759233307, ClinGen allele CA3853667.
Genomic context (GRCh38, chr6:52,062,659, plus strand): 5'-GGCTTCAGTCAGTTCCAGTCCCTCAACAGCATCTCCAACTTCAAAAAGAAGCCCTCGATT[G>C]CCTGTAAGACATGTAGATCGCATAAACATTACAGGGCGCACCTTCCCAAATTGGGGAATT-3'
Protein context (NP_619639.3, residues 316-336): KDVRLTTPQP[Gly326=]NRGLLFEVGD